The following is an entry in ClinVar:

ClinVar aggregate classification (germline): Pathogenic (1 of 4 stars; one submission).

Conditions:
Hypertrophic cardiomyopathy. Also called: HYPERTROPHIC MYOCARDIOPATHY. Identifiers: Orphanet 217569, MedGen C0007194, MeSH D002312, MONDO:0005045, HP:0001639.

Submission:

Labcorp Genetics (formerly Invitae), Labcorp
Classification: Pathogenic for Hypertrophic cardiomyopathy. Last evaluated: 2019-02-14. Review status: criteria provided, single submitter. Criteria: Invitae Variant Classification Sherloc (09022015). Collection method: clinical testing. Allele origin: germline.
Comment: For these reasons, this variant has been classified as Pathogenic. Donor and acceptor splice site variants typically lead to a loss of protein function (PMID: 16199547), and loss-of-function variants in MYBPC3 are known to be pathogenic (PMID: 19574547). Disruption of this splice site has been observed in individuals affected with hypertrophic cardiomyopathy (PMID: 19659763, 23233322). This variant is not present in population databases (ExAC no frequency). This sequence change affects a donor splice site in intron 32 of the MYBPC3 gene. It is expected to disrupt RNA splicing and likely results in an absent or disrupted protein product.

Literature cited by the submitters: PubMed 16199547; PubMed 19574547; PubMed 19659763; PubMed 23233322.

NM_000256.3(MYBPC3):c.3627+2T>G

Gene: MYBPC3 (myosin binding protein C3; minus strand). Cytogenetic location: 11p11.2.
Variant type: single nucleotide variant.
Coding change: c.3627+2T>G on transcript NM_000256.3 (MANE Select); the canonical splice donor site of the intron after coding-DNA position 3627, T replaced by G.
Molecular consequence: splice donor variant.
Genome position (GRCh38, 1-based): chr11:47,332,564, A>C on the plus strand (T>G on the coding strand, the complement: MYBPC3 is on the minus strand). VCF-style: chr11-47332564-A-C. GRCh37 (hg19) VCF-style: chr11-47354115-A-C.
Other names: c.3627+2T>G (LRG_386t1).
Identifiers: ClinVar variation 656071 (VCV000656071.10), dbSNP rs1299079662, ClinGen allele CA380312126.